The following is an entry in ClinVar:

NM_020937.4(FANCM):c.2406T>G (p.Asn802Lys)

Gene: FANCM (FA complementation group M; plus strand). Cytogenetic location: 14q21.2.
Variant type: single nucleotide variant.
Coding change: c.2406T>G on transcript NM_020937.4 (MANE Select); coding-DNA position 2406, T replaced by G.
Protein change: p.Asn802Lys; replaces asparagine 802 with lysine.
Molecular consequence: missense variant.
Genome position (GRCh38, 1-based): chr14:45,175,160, T>G. VCF-style: chr14-45175160-T-G. GRCh37 (hg19) VCF-style: chr14-45644363-T-G.
Other names: c.2328T>G, p.Asn776Lys (NM_001308133.2); short protein forms N802K, N776K.
Identifiers: ClinVar variation 3848660 (VCV003848660.1).
Genomic context (GRCh38, chr14:45,175,160, plus strand): 5'-ATCTTATTTACAAATGGAAGATGTTACCTCAACATTTATTGCTCCCAGGAATGAATCTAA[T>G]AATCTTGCCAGTGACACCTTTATCACTCACAAGAAATCGTCATTTATAAAGAACATAAAT-3'
Protein context (NP_065988.1, residues 792-812): STFIAPRNES[Asn802Lys]NLASDTFITH

ClinVar aggregate classification (germline): Uncertain significance (1 of 4 stars; one submission).

Conditions:
Inborn genetic diseases. Identifiers: MedGen C0950123, MeSH D030342.

gnomAD v4.1: 9 of 1,611,590 alleles (0.00056%); highest among the groups gnomAD compares: Non-Finnish European, 0.00076%; no homozygotes.

Submission:

Ambry Genetics
Classification: Uncertain significance for Inborn genetic diseases. Last evaluated: 2025-01-27. Review status: criteria provided, single submitter. Criteria: Ambry Variant Classification Scheme 2023. Collection method: clinical testing. Allele origin: germline.
Comment: The p.N802K variant (also known as c.2406T>G), located in coding exon 14 of the FANCM gene, results from a T to G substitution at nucleotide position 2406. The asparagine at codon 802 is replaced by lysine, an amino acid with similar properties. This amino acid position is conserved. In addition, this alteration is predicted to be tolerated by in silico analysis. Based on the available evidence, the clinical significance of this variant remains unclear.